The following is an entry in ClinVar:

NM_006766.5(KAT6A):c.2021G>A (p.Gly674Asp)

Gene: KAT6A (lysine acetyltransferase 6A; minus strand). Cytogenetic location: 8p11.21.
Variant type: single nucleotide variant.
Coding change: c.2021G>A on transcript NM_006766.5 (MANE Select); coding-DNA position 2021, G replaced by A.
Protein change: p.Gly674Asp; replaces glycine 674 with aspartic acid.
Molecular consequence: missense variant.
Genome position (GRCh38, 1-based): chr8:41,943,955, C>T on the plus strand (G>A on the coding strand, the complement: KAT6A is on the minus strand). VCF-style: chr8-41943955-C-T. GRCh37 (hg19) VCF-style: chr8-41801473-C-T.
Other names: c.2021G>A, p.Gly674Asp (NM_001305878.2); short protein forms G674D.
Identifiers: ClinVar variation 1803394 (VCV001803394.1), dbSNP rs1822262276, ClinGen allele CA371073425.
Genomic context (GRCh38, chr8:41,943,955, plus strand): 5'-TATGCCATGTAGGAAAGACGACCCAGATCAGATAACGGTTTCTCTGGAGACCCTGCTTGG[C>T]CTTCACGCTTTGATAACAAATAACCTAAAGAATCACAAATAACTCAAATCAGAACTAGGT-3'
Protein context (NP_006757.2, residues 664-684): DFSYLLSKRE[Gly674Asp]QAGSPEKPLS

ClinVar aggregate classification (germline): Uncertain significance (1 of 4 stars; one submission).

Allele frequency attached by ClinVar (database versions not stated): gnomAD exomes below 0.00001; TOPMed below 0.00001.
gnomAD v4.1: 1 of 1,613,756 alleles (0.000062%); highest among the groups gnomAD compares: Admixed American, 0.0017%; no homozygotes.

Submission:

GeneDx
Classification: Uncertain significance. Last evaluated: 2022-06-07. Review status: criteria provided, single submitter. Criteria: GeneDx Variant Classification Process June 2021. Collection method: clinical testing. Allele origin: germline. Affected: yes.
Comment: Not observed at significant frequency in large population cohorts (gnomAD); In silico analysis supports that this missense variant has a deleterious effect on protein structure/function; Has not been previously published as pathogenic or benign to our knowledge